The following is an entry in ClinVar:

NM_133642.5(LARGE1):c.1570A>T (p.Met524Leu)

Gene: LARGE1 (LARGE xylosyl- and glucuronyltransferase 1; minus strand). Cytogenetic location: 22q12.3.
Variant type: single nucleotide variant.
Coding change: c.1570A>T on transcript NM_133642.5 (MANE Select); coding-DNA position 1570, A replaced by T.
Protein change: p.Met524Leu; replaces methionine 524 with leucine.
Molecular consequence: missense variant.
Genome position (GRCh38, 1-based): chr22:33,304,389, T>A on the plus strand (A>T on the coding strand, the complement: LARGE1 is on the minus strand). VCF-style: chr22-33304389-T-A. GRCh37 (hg19) VCF-style: chr22-33700375-T-A.
Other names: c.1570A>T, p.Met524Leu (NM_001362949.2, NM_001362951.2, NM_001362953.2 and 6 more transcripts); c.1414A>T, p.Met472Leu (NM_001378629.1); c.967A>T, p.Met323Leu (NM_001378630.1); c.811A>T, p.Met271Leu (NM_001378631.1); short protein forms M271L, M524L, M323L, M472L.
Identifiers: ClinVar variation 1511610 (VCV001511610.8), dbSNP rs2146165030, ClinGen allele CA411544436.

ClinVar aggregate classification (germline): Uncertain significance (1 of 4 stars; one submission).

Conditions:
Muscular dystrophy-dystroglycanopathy type B6 (MDDGB6). Also called: MUSCULAR DYSTROPHY-DYSTROGLYCANOPATHY (CONGENITAL WITH IMPAIRED INTELLECTUAL DEVELOPMENT), TYPE B, 6; MUSCULAR DYSTROPHY, CONGENITAL, LARGE-RELATED; MUSCULAR DYSTROPHY, CONGENITAL, TYPE 1D. Identifiers: MedGen C1837229, MONDO:0012138, OMIM 608840.

gnomAD v4.1: 1 of 1,614,270 alleles (0.000062%); highest among the groups gnomAD compares: Non-Finnish European, 0.000085%; no homozygotes.

Submission:

Labcorp Genetics (formerly Invitae), Labcorp
Classification: Uncertain significance for Muscular dystrophy-dystroglycanopathy type B6. Last evaluated: 2021-02-18. Review status: criteria provided, single submitter. Criteria: Invitae Variant Classification Sherloc (09022015). Collection method: clinical testing. Allele origin: germline.
Comment: In summary, the available evidence is currently insufficient to determine the role of this variant in disease. Therefore, it has been classified as a Variant of Uncertain Significance. Algorithms developed to predict the effect of missense changes on protein structure and function (SIFT, PolyPhen-2, Align-GVGD) all suggest that this variant is likely to be tolerated, but these predictions have not been confirmed by published functional studies and their clinical significance is uncertain. This variant has not been reported in the literature in individuals with LARGE1-related conditions. This variant is not present in population databases (ExAC no frequency). This sequence change replaces methionine with leucine at codon 524 of the LARGE1 protein (p.Met524Leu). The methionine residue is moderately conserved and there is a small physicochemical difference between methionine and leucine.